The following is an entry in ClinVar:

ClinVar aggregate classification (germline): Pathogenic/Likely pathogenic. Review status: criteria provided, multiple submitters, no conflicts (2 of 4 stars). 2 submissions from 2 submitters: Pathogenic (1); Likely pathogenic (1). Last evaluated 2025-12-19.

Conditions:
Donnai-Barrow syndrome. Also called: DBS/FOAR SYNDROME; FACIOOCULOACOUSTICORENAL SYNDROME. Identifiers: Orphanet 2143, MedGen C1857277, MONDO:0009104, OMIM 222448.
LRP2-related disorder. Also called: LRP2-related condition.

gnomAD v4.1: 2 of 1,614,138 alleles (0.00012%); highest among the groups gnomAD compares: Non-Finnish European, 0.00017%; no homozygotes.

Submissions (2):

Myriad Genetics, Inc.
Classification: Pathogenic for Donnai-Barrow syndrome. Last evaluated: 2025-12-19. Review status: criteria provided, single submitter. Criteria: Myriad Autosomal Dominant, Autosomal Recessive and X-Linked Classification Criteria (2023). Collection method: clinical testing. Allele origin: unknown.
Comment: NM_004525.2(LRP2):c.8254C>T(R2752*) is expected to be pathogenic in the context of Donnai-Barrow syndrome. This variant is predicted to lead to an abnormal or absent protein product due to the creation of a premature termination codon in LRP2, a gene where loss-of-function variants are known to be pathogenic. Please note: this variant was assessed in the context of healthy population screening.

Blueprint Genetics
Classification: Likely pathogenic for LRP2-related disorders. Last evaluated: 2022-01-28. Review status: criteria provided, single submitter. Criteria: ACMG Guidelines, 2015. Collection method: clinical testing. Allele origin: germline. Affected: yes. Observed: 1 variant allele.

NM_004525.3(LRP2):c.8254C>T (p.Arg2752Ter)

Gene: LRP2 (LDL receptor related protein 2; minus strand). Cytogenetic location: 2q31.1.
Variant type: single nucleotide variant.
Coding change: c.8254C>T on transcript NM_004525.3 (MANE Select); coding-DNA position 8254, C replaced by T.
Protein change: p.Arg2752Ter; replaces arginine 2752 with a stop codon.
Molecular consequence: nonsense.
Genome position (GRCh38, 1-based): chr2:169,201,826, G>A on the plus strand (C>T on the coding strand, the complement: LRP2 is on the minus strand). VCF-style: chr2-169201826-G-A. GRCh37 (hg19) VCF-style: chr2-170058336-G-A.
Other names: short protein forms R2752*.
Identifiers: ClinVar variation 4889704 (VCV004889704.3).
Genomic context (GRCh38, chr2:169,201,826, plus strand): 5'-CATCACTGCCATCACCACAGTCATTGTAGTAATCACAGCGGTAAGAGTATTGGACACATC[G>A]CCCATTGGCACAGGTGAAGGCTGTCGGTGAGCAGGTGTGAAGTGCTAAGAACAGGAAAAA-3'